The following is an entry in ClinVar:

ClinVar aggregate classification (germline): Uncertain significance (1 of 4 stars; one submission).

Submission:

GeneDx
Classification: Uncertain significance. Last evaluated: 2024-04-16. Review status: criteria provided, single submitter. Criteria: GeneDx Variant Classification Process June 2021. Collection method: clinical testing. Allele origin: germline. Affected: yes.
Comment: Not observed at significant frequency in large population cohorts (gnomAD); In silico analysis supports that this missense variant has a deleterious effect on protein structure/function; Has not been previously published as pathogenic or benign to our knowledge

NM_004444.5(EPHB4):c.1915A>G (p.Lys639Glu)

Gene: EPHB4 (EPH receptor B4; minus strand). Cytogenetic location: 7q22.1.
Variant type: single nucleotide variant.
Coding change: c.1915A>G on transcript NM_004444.5 (MANE Select); coding-DNA position 1915, A replaced by G.
Protein change: p.Lys639Glu; replaces lysine 639 with glutamic acid.
Molecular consequence: missense variant.
Genome position (GRCh38, 1-based): chr7:100,812,950, T>C on the plus strand (A>G on the coding strand, the complement: EPHB4 is on the minus strand). VCF-style: chr7-100812950-T-C. GRCh37 (hg19) VCF-style: chr7-100410572-T-C.
Other names: short protein forms K639E.
Identifiers: ClinVar variation 3372600 (VCV003372600.1).